The following is an entry in ClinVar:

ClinVar aggregate classification (germline): Uncertain significance. Review status: criteria provided, multiple submitters, no conflicts (2 of 4 stars). 5 submissions from 5 submitters: Uncertain significance (4). 1 of the submissions does not count toward it. Last evaluated 2022-09-09.

Conditions:
Multiple sclerosis. Identifiers: MedGen C0026769, MONDO:0005301.
Hereditary sensory and autonomic neuropathy type 6. Also called: Neuropathy, hereditary sensory and autonomic, type VI; HSAN VI. Identifiers: Orphanet 314381, MedGen C3539003, MONDO:0013839, OMIM 614653.
Epidermolysis bullosa simplex 3, localized or generalized intermediate, with BP230 deficiency (EBS3). Also called: Epidermolysis bullosa simplex, autosomal recessive 2; Epidermolysis bullosa simplex due to BP230 deficiency. Identifiers: Orphanet 412181, MedGen C3809470, MONDO:0014180, OMIM 615425.
Inborn genetic diseases. Identifiers: MedGen C0950123, MeSH D030342.

Allele frequency attached by ClinVar (database versions not stated): TOPMed 0.00008; gnomAD exomes 0.00005; gnomAD 0.00006.
gnomAD v4.1: 86 of 1,609,790 alleles (0.0053%); highest among the groups gnomAD compares: Middle Eastern, 0.033%; no homozygotes.

Submissions (5):

Labcorp Genetics (formerly Invitae), Labcorp
Classification: Uncertain significance for Epidermolysis bullosa simplex 3, localized or generalized intermediate, with BP230 deficiency; Hereditary sensory and autonomic neuropathy type 6. Last evaluated: 2022-09-09. Review status: criteria provided, single submitter. Criteria: Invitae Variant Classification Sherloc (09022015). Collection method: clinical testing. Allele origin: germline.
Comment: In summary, the available evidence is currently insufficient to determine the role of this variant in disease. Therefore, it has been classified as a Variant of Uncertain Significance. Experimental studies and prediction algorithms are not available or were not evaluated, and the functional significance of this variant is currently unknown. ClinVar contains an entry for this variant (Variation ID: 809958). This variant has not been reported in the literature in individuals affected with DST-related conditions. This variant is present in population databases (rs758532940, gnomAD 0.01%). This sequence change replaces leucine, which is neutral and non-polar, with proline, which is neutral and non-polar, at codon 1877 of the DST protein (p.Leu1877Pro). The DST gene has multiple clinically relevant transcripts. This variant occurs in alternate transcript NM_015548.4, and corresponds to NM_001723.5:c.*42715T>C in the primary transcript.

GeneDx
Classification: Uncertain significance. Last evaluated: 2022-06-16. Review status: criteria provided, single submitter. Criteria: GeneDx Variant Classification Process June 2021. Collection method: clinical testing. Allele origin: germline. Affected: yes.
Comment: In silico analysis supports that this missense variant has a deleterious effect on protein structure/function; Has not been previously published as pathogenic or benign to our knowledge; Reported using an alternate transcript of the gene

Ambry Genetics
Classification: Uncertain significance for Inborn genetic diseases. Last evaluated: 2020-02-20. Review status: criteria provided, single submitter. Criteria: Ambry Variant Classification Scheme 2023. Collection method: clinical testing. Allele origin: germline.
Comment: The p.L2381P variant (also known as c.7142T>C), located in coding exon 46 of the DST gene, results from a T to C substitution at nucleotide position 7142. The leucine at codon 2381 is replaced by proline, an amino acid with similar properties. This amino acid position is highly conserved in available vertebrate species. In addition, this alteration is predicted to be deleterious by in silico analysis. Since supporting evidence is limited at this time, the clinical significance of this alteration remains unclear.

CeGaT Center for Human Genetics Tuebingen
Classification: Uncertain significance. Last evaluated: 2016-06-01. Review status: criteria provided, single submitter. Criteria: CeGaT Center For Human Genetics Tuebingen Variant Classification Criteria Version 2. Collection method: clinical testing. Allele origin: germline. Affected: yes. Observed: 1 variant allele.

Department of Molecular Biology and Genetics, Acibadem University
Classification: Likely pathogenic for Multiple sclerosis. Last evaluated: 2024-06-10. Review status: no assertion criteria provided. Collection method: research. Allele origin: germline. Affected: yes. Not counted in ClinVar's aggregate classification.

NM_001374736.1(DST):c.13499T>C (p.Leu4500Pro)

Gene: DST (dystonin; minus strand). Cytogenetic location: 6p12.1.
Variant type: single nucleotide variant.
Coding change: c.13499T>C on transcript NM_001374736.1 (MANE Select); coding-DNA position 13499, T replaced by C.
Protein change: p.Leu4500Pro; replaces leucine 4500 with proline.
Molecular consequence: missense variant.
Genome position (GRCh38, 1-based): chr6:56,572,802, A>G on the plus strand (T>C on the coding strand, the complement: DST is on the minus strand). VCF-style: chr6-56572802-A-G. GRCh37 (hg19) VCF-style: chr6-56437600-A-G.
Other names: c.7142T>C, p.Leu2381Pro (NM_001144769.5); c.6728T>C, p.Leu2243Pro (NM_001144770.2); c.13499T>C, p.Leu4500Pro (NM_001374722.1); c.12866T>C, p.Leu4289Pro (NM_001374729.1); c.6608T>C, p.Leu2203Pro (NM_001374730.1, NM_183380.4); c.13526T>C, p.Leu4509Pro (NM_001374734.1); c.5630T>C, p.Leu1877Pro (NM_015548.5); short protein forms L2381P, L4500P, L4509P, L1877P, L4289P, L2203P, L2243P.
Identifiers: ClinVar variation 809958 (VCV000809958.50), dbSNP rs758532940, ClinGen allele CA3868212.
Genomic context (GRCh38, chr6:56,572,802, plus strand): 5'-CATACCTGCATATACTGAGACAATTCAGTAACATCTTTTCCTGGCACATCTACTTCAGTA[A>G]GAGCCTGAGTTTTTGTTTCTAAAAATGTCTGGAGCTTTTCTGAGAGGTTCTCAAACAGTT-3'
Protein context (NP_001361665.1, residues 4490-4510): QTFLETKTQA[Leu4500Pro]TEVDVPGKDV